The following is an entry in ClinVar:

ClinVar aggregate classification (germline): Uncertain significance (1 of 4 stars; one submission).

Conditions:
Inborn genetic diseases. Identifiers: MedGen C0950123, MeSH D030342.

Submission:

Ambry Genetics
Classification: Uncertain significance for Inborn genetic diseases. Last evaluated: 2026-04-26. Review status: criteria provided, single submitter. Criteria: Ambry Variant Classification Scheme 2023. Collection method: clinical testing. Allele origin: germline.
Comment: The p.N110K variant (also known as c.330T>A), located in coding exon 3 of the BMPR2 gene, results from a T to A substitution at nucleotide position 330. The asparagine at codon 110 is replaced by lysine, an amino acid with similar properties. This amino acid position is conserved. In addition, the in silico prediction for this alteration is inconclusive. Based on the available evidence, the clinical significance of this variant remains unclear.

NM_001204.7(BMPR2):c.330T>A (p.Asn110Lys)

Gene: BMPR2 (bone morphogenetic protein receptor type 2; plus strand). Cytogenetic location: 2q33.1.
Variant type: single nucleotide variant.
Coding change: c.330T>A on transcript NM_001204.7 (MANE Select); coding-DNA position 330, T replaced by A.
Protein change: p.Asn110Lys; replaces asparagine 110 with lysine.
Molecular consequence: missense variant.
Genome position (GRCh38, 1-based): chr2:202,467,601, T>A. VCF-style: chr2-202467601-T-A. GRCh37 (hg19) VCF-style: chr2-203332324-T-A.
Other names: short protein forms N110K.
Identifiers: ClinVar variation 4867614 (VCV004867614.1).